The following is an entry in ClinVar:

NM_020320.5(RARS2):c.395+1G>A

Gene: RARS2 (arginyl-tRNA synthetase 2, mitochondrial; minus strand). Cytogenetic location: 6q15.
Variant type: single nucleotide variant.
Coding change: c.395+1G>A on transcript NM_020320.5 (MANE Select); the canonical splice donor site of the intron after coding-DNA position 395, G replaced by A.
Molecular consequence: splice donor variant.
Genome position (GRCh38, 1-based): chr6:87,555,407, C>T on the plus strand (G>A on the coding strand, the complement: RARS2 is on the minus strand). VCF-style: chr6-87555407-C-T. GRCh37 (hg19) VCF-style: chr6-88265125-C-T.
Other names: c.395+1G>A (NM_001350505.2); c.-75+1G>A (NM_001350509.2, NM_001318785.2); c.-131+1G>A (NM_001350506.2, NM_001350510.2, NM_001350511.2 and 1 more transcripts); c.-293+1G>A (NM_001350508.2).
Identifiers: ClinVar variation 2678249 (VCV002678249.5), dbSNP rs753184491, ClinGen allele CA3916676.
Genomic context (GRCh38, chr6:87,555,407, plus strand): 5'-AATAACACTCCTCTGCCCAGTCAACTTGATTAAGCAACACATAAAAGGGGTGCACCCTCA[C>T]CTGAATTCAACCACAATCTTCTTCTGGGGAAGTCCAGAGAAAAGTTCACTTTTTAATCCA-3'

ClinVar aggregate classification (germline): Likely pathogenic. Review status: criteria provided, multiple submitters, no conflicts (2 of 4 stars). 2 submissions from 2 submitters: Likely pathogenic (2). Last evaluated 2026-01-05.

Conditions:
Pontocerebellar hypoplasia type 6 (PCH6). Identifiers: Orphanet 166073, MedGen C1969084, MONDO:0012683, OMIM 611523.

Allele frequency attached by ClinVar (database versions not stated): TOPMed below 0.00001; ExAC 0.00001.

Submissions (2):

Labcorp Genetics (formerly Invitae), Labcorp
Classification: Likely pathogenic. Last evaluated: 2026-01-05. Review status: criteria provided, single submitter. Criteria: Invitae Variant Classification Sherloc (09022015). Collection method: clinical testing. Allele origin: germline.
Comment: This sequence change affects a donor splice site in intron 5 of the RARS2 gene. It is expected to disrupt RNA splicing. Variants that disrupt the donor or acceptor splice site typically lead to a loss of protein function (PMID: 16199547), and loss-of-function variants in RARS2 are known to be pathogenic (PMID: 17847012, 22569581, 26083569). This variant is present in population databases (rs753184491, gnomAD 0.003%). This variant has not been reported in the literature in individuals affected with RARS2-related conditions. ClinVar contains an entry for this variant (Variation ID: 2678249). Algorithms developed to predict the effect of sequence changes on RNA splicing suggest that this variant may disrupt the consensus splice site. In summary, the currently available evidence indicates that the variant is pathogenic, but additional data are needed to prove that conclusively. Therefore, this variant has been classified as Likely Pathogenic.

Baylor Genetics
Classification: Likely pathogenic for Pontocerebellar hypoplasia type 6. Last evaluated: 2024-03-20. Review status: criteria provided, single submitter. Criteria: ACMG Guidelines, 2015. Collection method: clinical testing. Allele origin: unknown.

Literature cited by the submitters: PubMed 16199547 (cited by Labcorp Genetics (formerly Invitae), Labcorp); PubMed 17847012 (cited by Labcorp Genetics (formerly Invitae), Labcorp); PubMed 22569581 (cited by Labcorp Genetics (formerly Invitae), Labcorp); PubMed 26083569 (cited by Labcorp Genetics (formerly Invitae), Labcorp).